The following is an entry in ClinVar:

ClinVar aggregate classification (germline): Conflicting classifications of pathogenicity. Review status: criteria provided, conflicting classifications (1 of 4 stars). 2 submissions from 2 submitters: Likely pathogenic (1); Uncertain significance (1). Last evaluated 2023-12-12.

Conditions:
Dermatitis, atopic, 2. Identifiers: MedGen C1853965, MONDO:0011596, OMIM 605803.
Ichthyosis vulgaris. Also called: ICHTHYOSIS SIMPLEX; Dominant ichthyosis vulgaris. Identifiers: MedGen C0079584, MONDO:0024304, OMIM 146700.

Submissions (2):

Baylor Genetics
Classification: Likely pathogenic for Ichthyosis vulgaris. Last evaluated: 2023-12-12. Review status: criteria provided, single submitter. Criteria: ACMG Guidelines, 2015. Collection method: clinical testing. Allele origin: unknown.

Juno Genomics, Hangzhou Juno Genomics, Inc
Classification: Uncertain significance for Dermatitis, atopic, 2; Ichthyosis vulgaris. Review status: criteria provided, single submitter. Criteria: ACMG Guidelines, 2015. Collection method: clinical testing. Allele origin: germline.
Comment: Absent from controls (or at extremely low frequency if recessive) in Genome Aggregation Database.;Null variant in a gene where loss of function (LOF) is a known mechanism of disease.

NM_002016.2(FLG):c.3037del (p.Ser1013fs)

Genes: CCDST (cervical cancer associated DHX9 suppressive transcript; plus strand), FLG (filaggrin; minus strand). Cytogenetic location: 1q21.3.
Variant type: Deletion.
Coding change: c.3037del on transcript NM_002016.2 (MANE Select); coding-DNA position 3037, one base deleted (T; older notation c.3037delT).
Protein change: p.Ser1013fs; shifts the reading frame from serine 1013.
Molecular consequence: frameshift variant.
Genome position (GRCh38, 1-based): chr1:152,311,849, A deleted on the plus strand (T on the coding strand, the reverse complement: FLG is on the minus strand); the first of 2 consecutive A bases (chr1:152,311,849-152,311,850); deleting either gives the same sequence. VCF-style (leftmost placement, unchanged base first): chr1-152311848-GA-G. GRCh37 (hg19) VCF-style: chr1-152284324-GA-G.
Other names: short protein forms S1013fs.
Identifiers: ClinVar variation 3237545 (VCV003237545.3), dbSNP rs1355273525.